The following is an entry in ClinVar:

ClinVar aggregate classification (germline): Uncertain significance (1 of 4 stars; one submission).

Conditions:
CPE-related disorder. Also called: CPE-related condition.

gnomAD v4.1: 14 of 1,608,966 alleles (0.00087%); highest among the groups gnomAD compares: Non-Finnish European, 0.0012%; no homozygotes.

Submission:

PreventionGenetics, part of Exact Sciences
Classification: Uncertain significance for CPE-related condition. Last evaluated: 2026-09-16. Review status: criteria provided, single submitter. Criteria: ACMG Guidelines, 2015. Collection method: clinical testing. Allele origin: germline.
Comment: The CPE c.230A>G variant is predicted to result in the amino acid substitution p.Tyr77Cys. To our knowledge, this variant has not been reported in the literature. This variant is reported in 0.0019% of alleles in individuals of European (Non-Finnish) descent in gnomAD. At this time, the clinical significance of this variant is uncertain due to the absence of conclusive functional and genetic evidence.

NM_001873.4(CPE):c.230A>G (p.Tyr77Cys)

Gene: CPE (carboxypeptidase E; plus strand). Cytogenetic location: 4q32.3.
Variant type: single nucleotide variant.
Coding change: c.230A>G on transcript NM_001873.4 (MANE Select); coding-DNA position 230, A replaced by G.
Protein change: p.Tyr77Cys; replaces tyrosine 77 with cysteine.
Molecular consequence: missense variant.
Genome position (GRCh38, 1-based): chr4:165,379,451, A>G. VCF-style: chr4-165379451-A-G. GRCh37 (hg19) VCF-style: chr4-166300603-A-G.
Other names: short protein forms Y77C.
Identifiers: ClinVar variation 4979038 (VCV004979038.1).